The following is an entry in ClinVar:

ClinVar aggregate classification (germline): Benign/Likely benign. Review status: criteria provided, multiple submitters, no conflicts (2 of 4 stars). 13 submissions from 12 submitters: Benign (10); Likely benign (3). Last evaluated 2026-02-03.

Conditions:
Familial hypercholesterolemia. Also called: Familial hypercholesterolemias; Familial hypercholesterolaemia. Identifiers: MedGen C0020445, MONDO:0005439.
Familial hypobetalipoproteinemia 1. Also called: Hypobetalipoproteinemia, normotriglyceridemic; Acanthocytosis with hypobetalipoproteinemia; APOB-Related Familial Hypobetalipoproteinemia. Identifiers: MedGen C4551990, MONDO:0014252, OMIM 615558.
Hypercholesterolemia, autosomal dominant, type B (FHCL2). Also called: Familial Hypercholesterolemia Type B; APOB-Related Familial Hypercholesterolemia, Autosomal Dominant; Hyperlipoproteinemia Type IIb; Familial hypercholesterolemia 2; APOLIPOPROTEIN B-100, FAMILIAL DEFECTIVE; APOLIPOPROTEIN B-100, FAMILIAL LIGAND-DEFECTIVE. Identifiers: MedGen C1704417, MONDO:0007751, OMIM 144010.
Hypercholesterolemia, familial, 1. Also called: LDL RECEPTOR DISORDER; Hyperlipoproteinemia Type IIa; HYPER-LOW-DENSITY-LIPOPROTEINEMIA; HYPERCHOLESTEROLEMIC XANTHOMATOSIS, FAMILIAL; Fredrickson type IIa hyperlipoproteinemia; Hyperlipoproteinemia type 2. Identifiers: Orphanet 391665, MedGen C0745103, MONDO:0007750, OMIM 143890.
Cardiovascular phenotype. Identifiers: MedGen CN230736.

Allele frequency attached by ClinVar (database versions not stated): gnomAD 0.01624 and 0.01523; TOPMed 0.01653; 1000 Genomes Project 0.02216; 1000 Genomes Project 30x 0.02389; gnomAD exomes 0.00143 and 0.00398; ExAC 0.00483; ESP Exome Variant Server 0.01499.
gnomAD v4.1: 4,476 of 1,613,386 alleles (0.28%); highest among the groups gnomAD compares: African/African-American, 5.3%; 110 homozygotes.

Submissions (13):

Labcorp Genetics (formerly Invitae), Labcorp
Classification: Benign for Familial hypobetalipoproteinemia 1; Hypercholesterolemia, autosomal dominant, type B. Last evaluated: 2026-02-03. Review status: criteria provided, single submitter. Criteria: Invitae Variant Classification Sherloc (09022015). Collection method: clinical testing. Allele origin: germline.

Molecular Diagnostic Laboratory for Inherited Cardiovascular Disease, Montreal Heart Institute
Classification: Benign. Last evaluated: 2025-04-09. Review status: criteria provided, single submitter. Criteria: ACMG Guidelines, 2015. Collection method: clinical testing. Allele origin: germline. Affected: no.

ARUP Laboratories, Molecular Genetics and Genomics, ARUP Laboratories
Classification: Benign. Last evaluated: 2025-03-11. Review status: criteria provided, single submitter. Criteria: ARUP Molecular Germline Variant Investigation Process 2024. Collection method: clinical testing. Allele origin: germline.

Quest Diagnostics Nichols Institute San Juan Capistrano
Classification: Benign. Last evaluated: 2022-10-17. Review status: criteria provided, single submitter. Criteria: Quest Diagnostics criteria. Collection method: clinical testing. Allele origin: unknown.

GENinCode PLC
Classification: Benign for Familial hypercholesterolemia. Last evaluated: 2022-06-20. Review status: criteria provided, single submitter. Criteria: ACMG Guidelines, 2015. Collection method: clinical testing. Allele origin: germline.

Mayo Clinic Laboratories, Mayo Clinic
Classification: Benign. Last evaluated: 2019-08-30. Review status: criteria provided, single submitter. Criteria: ACMG Guidelines, 2015. Collection method: clinical testing. Allele origin: germline. Observed: 8 variant alleles.

Illumina Laboratory Services, Illumina
Classification: Benign for Hypercholesterolemia, autosomal dominant, type B. Last evaluated: 2018-01-13. Review status: criteria provided, single submitter. Criteria: ICSL Variant Classification Criteria 13 December 2019. Collection method: clinical testing. Allele origin: germline.
Comment: This variant was observed in the ICSL laboratory as part of a predisposition screen in an ostensibly healthy population. It had not been previously curated by ICSL or reported in the Human Gene Mutation Database (HGMD: prior to June 1st, 2018), and was therefore a candidate for classification through an automated scoring system. Utilizing variant allele frequency, disease prevalence and penetrance estimates, and inheritance mode, an automated score was calculated to assess if this variant is too frequent to cause the disease. Based on the score and internal cut-off values, a variant classified as benign is not then subjected to further curation. The score for this variant resulted in a classification of benign for this disease.

Illumina Laboratory Services, Illumina
Classification: Likely benign for Familial hypobetalipoproteinemia 1. Last evaluated: 2018-01-13. Review status: criteria provided, single submitter. Criteria: ICSL Variant Classification Criteria 13 December 2019. Collection method: clinical testing. Allele origin: germline.
Comment: This variant was observed in the ICSL laboratory as part of a predisposition screen in an ostensibly healthy population. It had not been previously curated by ICSL or reported in the Human Gene Mutation Database (HGMD: prior to June 1st, 2018), and was therefore a candidate for classification through an automated scoring system. Utilizing variant allele frequency, disease prevalence and penetrance estimates, and inheritance mode, an automated score was calculated to assess if this variant is too frequent to cause the disease. Based on the score and internal cut-off values, a variant classified as likely benign is not then subjected to further curation. The score for this variant resulted in a classification of likely benign for this disease.

GeneDx
Classification: Benign. Last evaluated: 2018-01-04. Review status: criteria provided, single submitter. Criteria: GeneDx Variant Classification (06012015). Collection method: clinical testing. Allele origin: germline. Affected: yes.
Comment: This variant is considered likely benign or benign based on one or more of the following criteria: it is a conservative change, it occurs at a poorly conserved position in the protein, it is predicted to be benign by multiple in silico algorithms, and/or has population frequency not consistent with disease.

Robarts Research Institute, Western University
Classification: Likely benign for Hypercholesterolemia, familial, 1. Last evaluated: 2018-01-02. Review status: criteria provided, single submitter. Criteria: ACMG Guidelines, 2015. Collection method: clinical testing. Allele origin: germline. Inheritance: Autosomal dominant inheritance. Affected: yes.

Ambry Genetics
Classification: Benign for Cardiovascular phenotype. Last evaluated: 2016-03-23. Review status: criteria provided, single submitter. Criteria: Ambry Variant Classification Scheme 2023. Collection method: clinical testing. Allele origin: germline.

Breakthrough Genomics
Classification: Likely benign. Review status: criteria provided, single submitter. Criteria: ACMG Guidelines, 2015. Collection method: not provided. Allele origin: germline. Inheritance: Autosomal recessive inheritance. Affected: yes.

PreventionGenetics, part of Exact Sciences
Classification: Benign. Review status: criteria provided, single submitter. Criteria: ACMG Guidelines, 2015. Collection method: clinical testing. Allele origin: germline.

Literature cited by the submitters: PubMed 19602640 (cited by Quest Diagnostics Nichols Institute San Juan Capistrano).

NM_000384.3(APOB):c.11808C>T (p.Ile3936=)

Gene: APOB (apolipoprotein B; minus strand). Cytogenetic location: 2p24.1.
Variant type: single nucleotide variant.
Coding change: c.11808C>T on transcript NM_000384.3 (MANE Select); coding-DNA position 11808, C replaced by T.
Protein change: p.Ile3936=; no amino-acid change (isoleucine 3936 retained).
Molecular consequence: synonymous variant.
Genome position (GRCh38, 1-based): chr2:21,004,656, G>A on the plus strand (C>T on the coding strand, the complement: APOB is on the minus strand). VCF-style: chr2-21004656-G-A. GRCh37 (hg19) VCF-style: chr2-21227528-G-A.
Other names: p.Ile3936=.
Identifiers: ClinVar variation 255974 (VCV000255974.37), dbSNP rs12720852, ClinGen allele CA047624.
Genomic context (GRCh38, chr2:21,004,656, plus strand): 5'-TGCACTGAAGTCACGGTGTGCAAATGTTCCTTTAGTCTTAGAGGCTAACGTACCATCTTC[G>A]ATTTTGTGTGTTCCCAAAACTGTATAGGAGAGATTTTGTATTTTATTAGATTCATAACAG-3'
Protein context (NP_000375.3, residues 3926-3946): YELNVLGTHK[Ile3936=]EDGTLASKTK